The following is an entry in ClinVar:

ClinVar aggregate classification (germline): Likely pathogenic (1 of 4 stars; one submission).

Conditions:
Primary ciliary dyskinesia 20. Also called: CILIARY DYSKINESIA, PRIMARY, 20, WITH OR WITHOUT SITUS INVERSUS. Identifiers: Orphanet 244, MedGen C3540844, MONDO:0014030, OMIM 615067.

Submission:

Juno Genomics, Hangzhou Juno Genomics, Inc
Classification: Likely pathogenic for Primary ciliary dyskinesia 20. Review status: criteria provided, single submitter. Criteria: ACMG Guidelines, 2015. Collection method: clinical testing. Allele origin: germline.
Comment: Null variant in a gene where loss of function (LOF) is a known mechanism of disease.;Absent from controls (or at extremely low frequency if recessive) in Genome Aggregation Database.

NM_001364171.2(ODAD1):c.1405-1G>C

Gene: ODAD1 (outer dynein arm docking complex subunit 1; minus strand). Cytogenetic location: 19q13.33.
Variant type: single nucleotide variant.
Coding change: c.1405-1G>C on transcript NM_001364171.2 (MANE Select); the canonical splice acceptor site of the intron before coding-DNA position 1405, G replaced by C.
Molecular consequence: splice acceptor variant.
Genome position (GRCh38, 1-based): chr19:48,298,098, C>G on the plus strand (G>C on the coding strand, the complement: ODAD1 is on the minus strand). VCF-style: chr19-48298098-C-G. GRCh37 (hg19) VCF-style: chr19-48801355-C-G.
Other names: c.1294-1G>C (NM_144577.4).
Identifiers: ClinVar variation 5006012 (VCV005006012.2).
Genomic context (GRCh38, chr19:48,298,098, plus strand): 5'-AAGGTCCTCCAGGCTCTGGCCCAGCACTAGGAGGGCAGCGTCGGCCAGGGAGGTGAAGCT[C>G]TGGAGAGTGTGGGAGCCTGCGGTCAGCTGGGCCACCCCCGAGACCGGCCTCCTGTCCCGG-3'